The following is an entry in ClinVar:

NM_005428.4(VAV1):c.1828C>T (p.Pro610Ser)

Gene: VAV1 (vav guanine nucleotide exchange factor 1; plus strand). Cytogenetic location: 19p13.3.
Variant type: single nucleotide variant.
Coding change: c.1828C>T on transcript NM_005428.4 (MANE Select); coding-DNA position 1828, C replaced by T.
Protein change: p.Pro610Ser; replaces proline 610 with serine.
Molecular consequence: missense variant.
Genome position (GRCh38, 1-based): chr19:6,836,482, C>T. VCF-style: chr19-6836482-C-T. GRCh37 (hg19) VCF-style: chr19-6836493-C-T.
Other names: c.1828C>T, p.Pro610Ser (NM_001258206.2); c.1732C>T, p.Pro578Ser (NM_001258207.2); short protein forms P610S, P578S.
Identifiers: ClinVar variation 2116498 (VCV002116498.4), dbSNP rs765599789, ClinGen allele CA403631487.

ClinVar aggregate classification (germline): Uncertain significance (1 of 4 stars; one submission).

gnomAD v4.1: 1 of 1,614,102 alleles (0.000062%); highest among the groups gnomAD compares: Non-Finnish European, 0.000085%; no homozygotes.

Submission:

Labcorp Genetics (formerly Invitae), Labcorp
Classification: Uncertain significance. Last evaluated: 2022-03-24. Review status: criteria provided, single submitter. Criteria: Invitae Variant Classification Sherloc (09022015). Collection method: clinical testing. Allele origin: germline.
Comment: Algorithms developed to predict the effect of missense changes on protein structure and function are either unavailable or do not agree on the potential impact of this missense change (SIFT: "Tolerated"; PolyPhen-2: "Probably Damaging"; Align-GVGD: "Class C15"). In summary, the available evidence is currently insufficient to determine the role of this variant in disease. Therefore, it has been classified as a Variant of Uncertain Significance. This variant has not been reported in the literature in individuals affected with VAV1-related conditions. This variant is not present in population databases (gnomAD no frequency). This sequence change replaces proline, which is neutral and non-polar, with serine, which is neutral and polar, at codon 610 of the VAV1 protein (p.Pro610Ser).